The following is an entry in ClinVar:

NM_001486.4(GCKR):c.335G>A (p.Arg112Gln)

Gene: GCKR (glucokinase regulator; plus strand). Cytogenetic location: 2p23.3.
Variant type: single nucleotide variant.
Coding change: c.335G>A on transcript NM_001486.4 (MANE Select); coding-DNA position 335, G replaced by A.
Protein change: p.Arg112Gln; replaces arginine 112 with glutamine.
Molecular consequence: missense variant.
Genome position (GRCh38, 1-based): chr2:27,498,304, G>A. VCF-style: chr2-27498304-G-A. GRCh37 (hg19) VCF-style: chr2-27721171-G-A.
Other names: short protein forms R112Q.
Identifiers: ClinVar variation 1712858 (VCV001712858.10), dbSNP rs370008301, ClinGen allele CA1581522.
Genomic context (GRCh38, chr2:27,498,304, plus strand): 5'-TCCTTCTTCAGGAGCCAGATGGGGGGCTGGTTGTGCTGAGTGGAGGGGGCACCTCTGGCC[G>A]GATGGCATTCCTCATGTCGGTGAGCACCCTGGTCTCCAGTTTTCTTCCCCCTCCACTTCT-3'
Protein context (NP_001477.2, residues 102-122): VVLSGGGTSG[Arg112Gln]MAFLMSVSFN

ClinVar aggregate classification (germline): Uncertain significance. Review status: criteria provided, multiple submitters, no conflicts (2 of 4 stars). 3 submissions from 3 submitters: Uncertain significance (3). Last evaluated 2025-05-14.

Allele frequency attached by ClinVar (database versions not stated): 1000 Genomes Project 0.00040; ExAC 0.00005; TOPMed 0.00006; ESP Exome Variant Server 0.00008; gnomAD 0.00009; gnomAD exomes 0.00003; 1000 Genomes Project 30x 0.00047.

Submissions (3):

Labcorp Genetics (formerly Invitae), Labcorp
Classification: Uncertain significance. Last evaluated: 2025-05-14. Review status: criteria provided, single submitter. Criteria: Invitae Variant Classification Sherloc (09022015). Collection method: clinical testing. Allele origin: germline.
Comment: This sequence change replaces arginine, which is basic and polar, with glutamine, which is neutral and polar, at codon 112 of the GCKR protein (p.Arg112Gln). This variant is present in population databases (rs370008301, gnomAD 0.02%). This missense change has been observed in individual(s) with suspected genetic dyslipidemia (PMID: 36325899). ClinVar contains an entry for this variant (Variation ID: 1712858). Invitae Evidence Modeling of protein sequence and biophysical properties (such as structural, functional, and spatial information, amino acid conservation, physicochemical variation, residue mobility, and thermodynamic stability) indicates that this missense variant is expected to disrupt GCKR protein function with a positive predictive value of 80%. In summary, the available evidence is currently insufficient to determine the role of this variant in disease. Therefore, it has been classified as a Variant of Uncertain Significance.

Ambry Genetics
Classification: Uncertain significance. Last evaluated: 2025-01-24. Review status: criteria provided, single submitter. Criteria: Ambry Variant Classification Scheme 2023. Collection method: clinical testing. Allele origin: germline.

GeneDx
Classification: Uncertain significance. Last evaluated: 2024-08-07. Review status: criteria provided, single submitter. Criteria: GeneDx Variant Classification Process June 2021. Collection method: clinical testing. Allele origin: germline.
Comment: Has been associated with an increased risk for hyperlipidemia (PMID: 36325899); In silico analysis supports that this missense variant has a deleterious effect on protein structure/function; This variant is associated with the following publications: (PMID: 36325899)

Literature cited by the submitters: PubMed 36325899 (cited by Labcorp Genetics (formerly Invitae), Labcorp).